The following is an entry in ClinVar:

NC_000019.10:g.(?_38502497)_(38502980_?)del

Gene: RYR1 (ryanodine receptor 1; plus strand). Cytogenetic location: 19q13.2.
Variant type: Deletion.
Identifiers: ClinVar variation 833342 (VCV000833342.2).

ClinVar aggregate classification (germline): Pathogenic (1 of 4 stars; one submission).

Conditions:
RYR1-related disorder. Also called: RYR1-related disorders; RYR1-related condition. Identifiers: MedGen CN239331.

Submission:

Labcorp Genetics (formerly Invitae), Labcorp
Classification: Pathogenic for RYR1-related disorder. Last evaluated: 2021-09-01. Review status: criteria provided, single submitter. Criteria: Invitae Variant Classification Sherloc (09022015). Collection method: clinical testing. Allele origin: germline.
Comment: This variant is a gross deletion of the genomic region encompassing exon(s) 48-49 of the RYR1 gene. This variant would be expected to be in-frame, preserving the integrity of the reading frame. This variant has not been reported in the literature in individuals affected with RYR1-related conditions. This variant disrupts a region of the RYR1 protein in which other variant(s) (p.Val2586Glu) have been determined to be pathogenic (Invitae). This suggests that this is a clinically significant region of the protein, and that variants that disrupt it are likely to be disease-causing. For these reasons, this variant has been classified as Pathogenic.